The following is an entry in ClinVar:

ClinVar aggregate classification (germline): Uncertain significance (1 of 4 stars; one submission).

Submission:

Labcorp Genetics (formerly Invitae), Labcorp
Classification: Uncertain significance. Last evaluated: 2022-07-12. Review status: criteria provided, single submitter. Criteria: Invitae Variant Classification Sherloc (09022015). Collection method: clinical testing. Allele origin: germline.
Comment: This variant has not been reported in the literature in individuals affected with TBCE-related conditions. This variant is not present in population databases (gnomAD no frequency). This sequence change replaces arginine, which is basic and polar, with lysine, which is basic and polar, at codon 156 of the TBCE protein (p.Arg156Lys). Algorithms developed to predict the effect of missense changes on protein structure and function output the following: SIFT: "Tolerated"; PolyPhen-2: "Benign"; Align-GVGD: "Class C0". The lysine amino acid residue is found in multiple mammalian species, which suggests that this missense change does not adversely affect protein function. In summary, the available evidence is currently insufficient to determine the role of this variant in disease. Therefore, it has been classified as a Variant of Uncertain Significance.

NM_003193.5(TBCE):c.467G>A (p.Arg156Lys)

Gene: TBCE (tubulin folding cofactor E; plus strand). Cytogenetic location: 1q42.3.
Variant type: single nucleotide variant.
Coding change: c.467G>A on transcript NM_003193.5 (MANE Select); coding-DNA position 467, G replaced by A.
Protein change: p.Arg156Lys; replaces arginine 156 with lysine.
Molecular consequence: missense variant.
Genome position (GRCh38, 1-based): chr1:235,427,146, G>A. VCF-style: chr1-235427146-G-A. GRCh37 (hg19) VCF-style: chr1-235590461-G-A.
Other names: c.467G>A, p.Arg156Lys (NM_001079515.3, NM_001287801.2); c.128G>A, p.Arg43Lys (NM_001287802.2); short protein forms R156K, R43K.
Identifiers: ClinVar variation 2016220 (VCV002016220.4), dbSNP rs2526997199, ClinGen allele CA344929978.
Genomic context (GRCh38, chr1:235,427,146, plus strand): 5'-TTTATGTCTTTTGTGAATCTTTTGAAATTACTGTTTCTTAACATGTGCTTTTAGATATCA[G>A]AAAGGTAGATTTGTCAAAAAACCTGTTGTCATCATGGGATGAAGTGATACACATTGCTGA-3'
Protein context (NP_003184.1, residues 146-166): GGVAEACPNI[Arg156Lys]KVDLSKNLLS